The following is an entry in ClinVar:

ClinVar aggregate classification (germline): Uncertain significance. Review status: criteria provided, multiple submitters, no conflicts (2 of 4 stars). 2 submissions from 2 submitters: Uncertain significance (2). Last evaluated 2026-02-01.

Conditions:
Heterotopia, periventricular, X-linked dominant (PVNH1). Also called: PERIVENTRICULAR NODULAR HETEROTOPIA 1; X-linked periventricular heterotopia; PERIVENTRICULAR NODULAR HETEROTOPIA 4; HETEROTOPIA, PERIVENTRICULAR, 1. Identifiers: Orphanet 2149, Orphanet 82004, MedGen C1848213, MONDO:0010233, OMIM 300049.
Oto-palato-digital syndrome, type II (OPD2). Also called: OPD II SYNDROME; FACIOPALATOOSSEOUS SYNDROME; Otopalatodigital Syndrome, Type II; Otopalatodigital Syndrome Type 2 (FLNA-OPD2). Identifiers: Orphanet 669, Orphanet 90652, MedGen C1844696, MONDO:0010571, OMIM 304120.
Frontometaphyseal dysplasia (FMD1). Identifiers: Orphanet 1826, MedGen C0265293, MONDO:0015942.
Melnick-Needles syndrome (MNS). Also called: OSTEODYSPLASTY OF MELNICK AND NEEDLES; MELNICK-NEEDLES OSTEODYSPLASTY; Melnick-Needles Syndrome (FLNA-MNS). Identifiers: Orphanet 2484, MedGen C0025237, MONDO:0010650, OMIM 309350.

Submissions (2):

Labcorp Genetics (formerly Invitae), Labcorp
Classification: Uncertain significance for Oto-palato-digital syndrome, type II; Heterotopia, periventricular, X-linked dominant; Frontometaphyseal dysplasia; Melnick-Needles syndrome. Last evaluated: 2026-02-01. Review status: criteria provided, single submitter. Criteria: Invitae Variant Classification Sherloc (09022015). Collection method: clinical testing. Allele origin: germline.
Comment: This sequence change replaces threonine, which is neutral and polar, with alanine, which is neutral and non-polar, at codon 553 of the FLNA protein (p.Thr553Ala). This variant is not present in population databases (gnomAD no frequency). This variant has not been reported in the literature in individuals affected with FLNA-related conditions. ClinVar contains an entry for this variant (Variation ID: 2148016). Invitae Evidence Modeling of protein sequence and biophysical properties (such as structural, functional, and spatial information, amino acid conservation, physicochemical variation, residue mobility, and thermodynamic stability) indicates that this missense variant is not expected to disrupt FLNA protein function with a negative predictive value of 95%. In summary, the available evidence is currently insufficient to determine the role of this variant in disease. Therefore, it has been classified as a Variant of Uncertain Significance.

Blueprint Genetics
Classification: Uncertain significance. Last evaluated: 2024-11-22. Review status: criteria provided, single submitter. Criteria: ACMG Guidelines, 2015. Collection method: clinical testing. Allele origin: germline.

NM_001110556.2(FLNA):c.1657A>G (p.Thr553Ala)

Gene: FLNA (filamin A; minus strand). Cytogenetic location: Xq28.
Variant type: single nucleotide variant.
Coding change: c.1657A>G on transcript NM_001110556.2 (MANE Select); coding-DNA position 1657, A replaced by G.
Protein change: p.Thr553Ala; replaces threonine 553 with alanine.
Molecular consequence: missense variant.
Genome position (GRCh38, 1-based): chrX:154,365,170, T>C on the plus strand (A>G on the coding strand, the complement: FLNA is on the minus strand). VCF-style: chrX-154365170-T-C. GRCh37 (hg19) VCF-style: chrX-153593538-T-C.
Other names: c.1657A>G, p.Thr553Ala (NM_001456.4); short protein forms T553A.
Identifiers: ClinVar variation 2148016 (VCV002148016.5), dbSNP rs2522756866, ClinGen allele CA415243091.